The following is an entry in ClinVar:

NM_001271.4(CHD2):c.4762C>T (p.Arg1588Trp)

Gene: CHD2 (chromodomain helicase DNA binding protein 2; plus strand). Cytogenetic location: 15q26.1.
Variant type: single nucleotide variant.
Coding change: c.4762C>T on transcript NM_001271.4 (MANE Select); coding-DNA position 4762, C replaced by T.
Protein change: p.Arg1588Trp; replaces arginine 1588 with tryptophan.
Molecular consequence: missense variant.
Genome position (GRCh38, 1-based): chr15:93,014,765, C>T. VCF-style: chr15-93014765-C-T. GRCh37 (hg19) VCF-style: chr15-93557995-C-T.
Other names: short protein forms R1588W.
Identifiers: ClinVar variation 382913 (VCV000382913.44), dbSNP rs139646715, ClinGen allele CA7748552.

ClinVar aggregate classification (germline): Conflicting classifications of pathogenicity. Review status: criteria provided, conflicting classifications (1 of 4 stars). 6 submissions from 6 submitters: Uncertain significance (1); Benign (1); Likely benign (3). 1 of the submissions does not count toward it. Last evaluated 2026-08-01.

Conditions:
CHD2-related disorder. Also called: CHD2-related condition.
Inborn genetic diseases. Identifiers: MedGen C0950123, MeSH D030342.
Developmental and epileptic encephalopathy 94 (DEE94). Also called: Epileptic encephalopathy, childhood-onset; CHD2-Related Neurodevelopmental Disorders. Identifiers: Orphanet 1942, Orphanet 2382, MedGen C3809278, MONDO:0014150, OMIM 615369.

Allele frequency attached by ClinVar (database versions not stated): gnomAD exomes 0.00031 and 0.00084; ExAC 0.00037; TOPMed 0.00043; gnomAD 0.00048 and 0.00049; ESP Exome Variant Server 0.00062; 1000 Genomes Project 0.00080; 1000 Genomes Project 30x 0.00094.
gnomAD v4.1: 1,362 of 1,614,100 alleles (0.084%); highest among the groups gnomAD compares: Non-Finnish European, 0.1%; 2 homozygotes.

Submissions (6):

CeGaT Center for Human Genetics Tuebingen
Classification: Likely benign. Last evaluated: 2026-08-01. Review status: criteria provided, single submitter. Criteria: CeGaT Center For Human Genetics Tuebingen Variant Classification Criteria Version 2. Collection method: clinical testing. Allele origin: germline. Affected: yes. Observed: 10 variant alleles.
Comment: CHD2: BS1

Labcorp Genetics (formerly Invitae), Labcorp
Classification: Likely benign for Developmental and epileptic encephalopathy 94. Last evaluated: 2026-02-02. Review status: criteria provided, single submitter. Criteria: Invitae Variant Classification Sherloc (09022015). Collection method: clinical testing. Allele origin: germline.

GeneDx
Classification: Benign. Last evaluated: 2020-09-23. Review status: criteria provided, single submitter. Criteria: GeneDx Variant Classification Process June 2021. Collection method: clinical testing. Allele origin: germline. Affected: yes.

Revvity Omics, Revvity
Classification: Uncertain significance for Developmental and epileptic encephalopathy 94. Last evaluated: 2019-01-18. Review status: criteria provided, single submitter. Criteria: ACMG Guidelines, 2015. Collection method: clinical testing. Allele origin: germline.

Ambry Genetics
Classification: Likely benign for Inborn genetic diseases. Last evaluated: 2017-12-27. Review status: criteria provided, single submitter. Criteria: Ambry Variant Classification Scheme 2023. Collection method: clinical testing. Allele origin: germline.

PreventionGenetics, part of Exact Sciences
Classification: Likely benign for CHD2-related condition. Last evaluated: 2021-07-13. Review status: no assertion criteria provided. Collection method: clinical testing. Allele origin: germline. Not counted in ClinVar's aggregate classification.
Comment: This variant is classified as likely benign based on ACMG/AMP sequence variant interpretation guidelines (Richards et al. 2015 PMID: 25741868, with internal and published modifications).